The following is an entry in ClinVar:

ClinVar aggregate classification (germline): Uncertain significance. Review status: criteria provided, multiple submitters, no conflicts (2 of 4 stars). 3 submissions from 3 submitters: Uncertain significance (3). Last evaluated 2025-10-23.

Conditions:
Inborn genetic diseases. Identifiers: MedGen C0950123, MeSH D030342.
DOCK2 deficiency. Also called: Immunodeficiency 40. Identifiers: Orphanet 447737, MedGen C4225328, MONDO:0014637, OMIM 616433.

Allele frequency attached by ClinVar (database versions not stated): ExAC 0.00003; gnomAD exomes 0.00003 and 0.00007; gnomAD 0.00006; TOPMed 0.00008.

Submissions (3):

Labcorp Genetics (formerly Invitae), Labcorp
Classification: Uncertain significance for DOCK2 deficiency. Last evaluated: 2025-10-23. Review status: criteria provided, single submitter. Criteria: Invitae Variant Classification Sherloc (09022015). Collection method: clinical testing. Allele origin: germline.
Comment: This sequence change replaces methionine, which is neutral and non-polar, with valine, which is neutral and non-polar, at codon 1487 of the DOCK2 protein (p.Met1487Val). This variant is present in population databases (rs750831425, gnomAD 0.03%). This variant has not been reported in the literature in individuals affected with DOCK2-related conditions. ClinVar contains an entry for this variant (Variation ID: 641288). An algorithm developed to predict the effect of missense changes on protein structure and function (PolyPhen-2) suggests that this variant is likely to be tolerated. In summary, the available evidence is currently insufficient to determine the role of this variant in disease. Therefore, it has been classified as a Variant of Uncertain Significance.

Ambry Genetics
Classification: Uncertain significance for Inborn genetic diseases. Last evaluated: 2025-05-20. Review status: criteria provided, single submitter. Criteria: Ambry Variant Classification Scheme 2023. Collection method: clinical testing. Allele origin: germline.

Blueprint Genetics
Classification: Uncertain significance. Last evaluated: 2024-10-16. Review status: criteria provided, single submitter. Criteria: ACMG Guidelines, 2015. Collection method: clinical testing. Allele origin: germline.

NM_004946.3(DOCK2):c.4459A>G (p.Met1487Val)

Gene: DOCK2 (dedicator of cytokinesis 2; plus strand). Cytogenetic location: 5q35.1.
Variant type: single nucleotide variant.
Coding change: c.4459A>G on transcript NM_004946.3 (MANE Select); coding-DNA position 4459, A replaced by G.
Protein change: p.Met1487Val; replaces methionine 1487 with valine.
Molecular consequence: missense variant. On other transcripts: non-coding transcript variant (1).
Genome position (GRCh38, 1-based): chr5:170,057,658, A>G. VCF-style: chr5-170057658-A-G. GRCh37 (hg19) VCF-style: chr5-169484662-A-G.
Other names: c.4459A>G, p.Met1487Val (LRG_1227t1); short protein forms M1487V.
Identifiers: ClinVar variation 641288 (VCV000641288.13), dbSNP rs750831425, ClinGen allele CA3554555.